The following is an entry in ClinVar:

NM_003072.5(SMARCA4):c.3216-17C>A

Gene: SMARCA4 (SWI/SNF related BAF chromatin remodeling complex subunit ATPase 4; plus strand). Cytogenetic location: 19p13.2.
Variant type: single nucleotide variant.
Coding change: c.3216-17C>A on transcript NM_003072.5 (MANE Select); 17 bases into the intron before coding-DNA position 3216, C replaced by A.
Molecular consequence: intron variant.
Genome position (GRCh38, 1-based): chr19:11,027,767, C>A. VCF-style: chr19-11027767-C-A. GRCh37 (hg19) VCF-style: chr19-11138443-C-A.
Other names: c.3216-17C>A (NM_001128844.3, NM_001128849.3, NM_001128847.4 and 5 more transcripts).
Identifiers: ClinVar variation 2073533 (VCV002073533.4), dbSNP rs371137806, ClinGen allele CA2580096374.

ClinVar aggregate classification (germline): Uncertain significance (1 of 4 stars; one submission).

Conditions:
Rhabdoid tumor predisposition syndrome 2 (RTPS2). Identifiers: Orphanet 231108, Orphanet 69077, MedGen C2750074, MONDO:0013224, OMIM 613325.

Submission:

Labcorp Genetics (formerly Invitae), Labcorp
Classification: Uncertain significance for Rhabdoid tumor predisposition syndrome 2. Last evaluated: 2022-03-01. Review status: criteria provided, single submitter. Criteria: Invitae Variant Classification Sherloc (09022015). Collection method: clinical testing. Allele origin: germline.
Comment: This sequence change falls in intron 23 of the SMARCA4 gene. It does not directly change the encoded amino acid sequence of the SMARCA4 protein. This variant is not present in population databases (gnomAD no frequency). Algorithms developed to predict the effect of sequence changes on RNA splicing suggest that this variant may create or strengthen a splice site. This variant has not been reported in the literature in individuals affected with SMARCA4-related conditions. In summary, the available evidence is currently insufficient to determine the role of this variant in disease. Therefore, it has been classified as a Variant of Uncertain Significance.